The following is an entry in ClinVar:

ClinVar aggregate classification (germline): Uncertain significance (1 of 4 stars; one submission).

gnomAD v4.1: 79 of 1,613,724 alleles (0.0049%); highest among the groups gnomAD compares: South Asian, 0.025%; no homozygotes.

Submission:

Labcorp Genetics (formerly Invitae), Labcorp
Classification: Uncertain significance. Last evaluated: 2025-06-09. Review status: criteria provided, single submitter. Criteria: Invitae Variant Classification Sherloc (09022015). Collection method: clinical testing. Allele origin: germline.
Comment: This sequence change replaces arginine, which is basic and polar, with histidine, which is basic and polar, at codon 704 of the CARMIL2 protein (p.Arg704His). This variant is present in population databases (rs557350135, gnomAD 0.04%). This variant has not been reported in the literature in individuals affected with CARMIL2-related conditions. Invitae Evidence Modeling of protein sequence and biophysical properties (such as structural, functional, and spatial information, amino acid conservation, physicochemical variation, residue mobility, and thermodynamic stability) indicates that this missense variant is not expected to disrupt CARMIL2 protein function with a negative predictive value of 80%. In summary, the available evidence is currently insufficient to determine the role of this variant in disease. Therefore, it has been classified as a Variant of Uncertain Significance.

NM_001013838.3(CARMIL2):c.2111G>A (p.Arg704His)

Gene: CARMIL2 (capping protein regulator and myosin 1 linker 2; plus strand). Cytogenetic location: 16q22.1.
Variant type: single nucleotide variant.
Coding change: c.2111G>A on transcript NM_001013838.3 (MANE Select); coding-DNA position 2111, G replaced by A.
Protein change: p.Arg704His; replaces arginine 704 with histidine.
Molecular consequence: missense variant.
Genome position (GRCh38, 1-based): chr16:67,650,077, G>A. VCF-style: chr16-67650077-G-A. GRCh37 (hg19) VCF-style: chr16-67683980-G-A.
Other names: c.2003G>A, p.Arg668His (NM_001317026.3, NM_001438244.1, NM_001438835.1); short protein forms R668H, R704H.
Identifiers: ClinVar variation 4699607 (VCV004699607.1).